The following is an entry in ClinVar:

NM_000362.5(TIMP3):c.244A>G (p.Ile82Val)

Genes: SYN3 (synapsin III; minus strand), TIMP3 (TIMP metallopeptidase inhibitor 3; plus strand). Cytogenetic location: 22q12.3.
Variant type: single nucleotide variant.
Coding change: c.244A>G on transcript NM_000362.5 (MANE Select); coding-DNA position 244, A replaced by G.
Protein change: p.Ile82Val; replaces isoleucine 82 with valine.
Molecular consequence: missense variant. On other transcripts: intron variant (7).
Genome position (GRCh38, 1-based): chr22:32,857,288, A>G. VCF-style: chr22-32857288-A-G. GRCh37 (hg19) VCF-style: chr22-33253275-A-G.
Other names: c.708+7627T>C (NM_001369909.1, NM_001135774.2, NM_001369910.1); c.711+7627T>C (NM_001369907.1, NM_003490.4, NM_001369908.1 and 1 more transcripts); short protein forms I82V.
Identifiers: ClinVar variation 2810958 (VCV002810958.3), dbSNP rs2048397352, ClinGen allele CA411539442.
Genomic context (GRCh38, chr22:32,857,288, plus strand): 5'-TGATGTTCCTTTTGCCCACAGATGTACCGAGGCTTCACCAAGATGCCCCATGTGCAGTAC[A>G]TCCATACGGAAGCTTCCGAGAGTCTCTGTGGCCTTAAGCTGGAGGTCAACAAGTACCAGT-3'
Protein context (NP_000353.1, residues 72-92): GFTKMPHVQY[Ile82Val]HTEASESLCG

ClinVar aggregate classification (germline): Uncertain significance (1 of 4 stars; one submission).

Allele frequency attached by ClinVar (database versions not stated): TOPMed below 0.00001.

Submission:

Labcorp Genetics (formerly Invitae), Labcorp
Classification: Uncertain significance. Last evaluated: 2025-04-17. Review status: criteria provided, single submitter. Criteria: Invitae Variant Classification Sherloc (09022015). Collection method: clinical testing. Allele origin: germline.
Comment: This sequence change replaces isoleucine, which is neutral and non-polar, with valine, which is neutral and non-polar, at codon 82 of the TIMP3 protein (p.Ile82Val). This variant is not present in population databases (gnomAD no frequency). This variant has not been reported in the literature in individuals affected with TIMP3-related conditions. ClinVar contains an entry for this variant (Variation ID: 2810958). An algorithm developed to predict the effect of missense changes on protein structure and function (PolyPhen-2) suggests that this variant is likely to be disruptive. In summary, the available evidence is currently insufficient to determine the role of this variant in disease. Therefore, it has been classified as a Variant of Uncertain Significance.